The following is an entry in ClinVar:

ClinVar aggregate classification (germline): Uncertain significance. Review status: criteria provided, multiple submitters, no conflicts (2 of 4 stars). 2 submissions from 2 submitters: Uncertain significance (2). Last evaluated 2025-08-06.

Allele frequency attached by ClinVar (database versions not stated): gnomAD 0.00001; ExAC 0.00001; TOPMed 0.00004; gnomAD exomes 0.00001.
gnomAD v4.1: 19 of 1,613,458 alleles (0.0012%); highest among the groups gnomAD compares: Non-Finnish European, 0.0015%; no homozygotes.

Submissions (2):

Labcorp Genetics (formerly Invitae), Labcorp
Classification: Uncertain significance. Last evaluated: 2025-08-06. Review status: criteria provided, single submitter. Criteria: Invitae Variant Classification Sherloc (09022015). Collection method: clinical testing. Allele origin: germline.
Comment: This sequence change replaces arginine, which is basic and polar, with glutamine, which is neutral and polar, at codon 664 of the ITGAM protein (p.Arg664Gln). This variant is present in population databases (rs749320003, gnomAD 0.003%). This variant has not been reported in the literature in individuals affected with ITGAM-related conditions. ClinVar contains an entry for this variant (Variation ID: 2720616). An algorithm developed to predict the effect of missense changes on protein structure and function outputs the following: PolyPhen-2: "Possibly Damaging". The glutamine amino acid residue is found in multiple mammalian species, which suggests that this missense change does not adversely affect protein function. In summary, the available evidence is currently insufficient to determine the role of this variant in disease. Therefore, it has been classified as a Variant of Uncertain Significance.

Ambry Genetics
Classification: Uncertain significance. Last evaluated: 2024-04-09. Review status: criteria provided, single submitter. Criteria: Ambry Variant Classification Scheme 2023. Collection method: clinical testing. Allele origin: germline.

NM_000632.4(ITGAM):c.1991G>A (p.Arg664Gln)

Gene: ITGAM (integrin subunit alpha M; plus strand). Cytogenetic location: 16p11.2.
Variant type: single nucleotide variant.
Coding change: c.1991G>A on transcript NM_000632.4 (MANE Select); coding-DNA position 1991, G replaced by A.
Protein change: p.Arg664Gln; replaces arginine 664 with glutamine.
Molecular consequence: missense variant.
Genome position (GRCh38, 1-based): chr16:31,321,616, G>A. VCF-style: chr16-31321616-G-A. GRCh37 (hg19) VCF-style: chr16-31332937-G-A.
Other names: c.1994G>A, p.Arg665Gln (NM_001145808.2); c.1991G>A (NM_000632.3); short protein forms R665Q, R664Q.
Identifiers: ClinVar variation 2720616 (VCV002720616.4), dbSNP rs749320003, ClinGen allele CA8025699.